The following is an entry in ClinVar:

ClinVar aggregate classification (germline): Uncertain significance (1 of 4 stars; one submission).

Conditions:
Tietz syndrome (TADS). Also called: ALBINISM-DEAFNESS OF TIETZ; HYPOPIGMENTATION/DEAFNESS OF TIETZ; TIETZ ALBINISM-DEAFNESS SYNDROME. Identifiers: Orphanet 42665, MedGen C0391816, MONDO:0007077, OMIM 103500.
Waardenburg syndrome type 2A (WS2A). Also called: WAARDENBURG SYNDROME WITHOUT DYSTOPIA CANTHORUM. Identifiers: Orphanet 3440, MedGen C1860339, MONDO:0008671, OMIM 193510.
Melanoma, cutaneous malignant, susceptibility to, 8. Also called: MELANOMA AND RENAL CELL CARCINOMA, SUSCEPTIBILITY TO; Cutaneous malignant melanoma 8. Identifiers: Orphanet 293822, MedGen C3152204, MONDO:0013759, OMIM 614456.

gnomAD v4.1: 1 of 1,614,114 alleles (0.000062%); highest among the groups gnomAD compares: East Asian, 0.0022%; no homozygotes.

Submission:

Labcorp Genetics (formerly Invitae), Labcorp
Classification: Uncertain significance for Melanoma, cutaneous malignant, susceptibility to, 8; Waardenburg syndrome type 2A; Tietz syndrome. Last evaluated: 2025-10-26. Review status: criteria provided, single submitter. Criteria: Invitae Variant Classification Sherloc (09022015). Collection method: clinical testing. Allele origin: germline.
Comment: This sequence change replaces serine, which is neutral and polar, with tyrosine, which is neutral and polar, at codon 302 of the MITF protein (p.Ser302Tyr). This variant is not present in population databases (gnomAD no frequency). This variant has not been reported in the literature in individuals affected with MITF-related conditions. Invitae Evidence Modeling of protein sequence and biophysical properties (such as structural, functional, and spatial information, amino acid conservation, physicochemical variation, residue mobility, and thermodynamic stability) indicates that this missense variant is not expected to disrupt MITF protein function with a negative predictive value of 80%. In summary, the available evidence is currently insufficient to determine the role of this variant in disease. Therefore, it has been classified as a Variant of Uncertain Significance.

NM_001354604.2(MITF):c.1226C>A (p.Ser409Tyr)

Gene: MITF (melanocyte inducing transcription factor; plus strand). Cytogenetic location: 3p13.
Variant type: single nucleotide variant.
Coding change: c.1226C>A on transcript NM_001354604.2 (MANE Select); coding-DNA position 1226, C replaced by A.
Protein change: p.Ser409Tyr; replaces serine 409 with tyrosine.
Molecular consequence: missense variant.
Genome position (GRCh38, 1-based): chr3:69,964,893, C>A. VCF-style: chr3-69964893-C-A. GRCh37 (hg19) VCF-style: chr3-70014044-C-A.
Other names: c.905C>A, p.Ser302Tyr (NM_000248.4); c.1052C>A, p.Ser351Tyr (NM_001184967.2, NM_001354608.2); c.1223C>A, p.Ser408Tyr (NM_001354605.2); c.1205C>A, p.Ser402Tyr (NM_001354606.2, NM_006722.3); c.1157C>A, p.Ser386Tyr (NM_001354607.2); c.887C>A, p.Ser296Tyr (NM_198158.3); c.1208C>A, p.Ser403Tyr (NM_198159.3); c.1160C>A, p.Ser387Tyr (NM_198177.3); and 1 more; short protein forms S296Y, S387Y, S408Y, S409Y, S351Y, S240Y, S302Y, S386Y.
Identifiers: ClinVar variation 4783823 (VCV004783823.1).